The following is an entry in ClinVar:

NM_004304.5(ALK):c.3442G>A (p.Ala1148Thr)

Gene: ALK (ALK receptor tyrosine kinase; minus strand). Cytogenetic location: 2p23.2.
Variant type: single nucleotide variant.
Coding change: c.3442G>A on transcript NM_004304.5 (MANE Select); coding-DNA position 3442, G replaced by A.
Protein change: p.Ala1148Thr; replaces alanine 1148 with threonine.
Molecular consequence: missense variant.
Genome position (GRCh38, 1-based): chr2:29,222,525, C>T on the plus strand (G>A on the coding strand, the complement: ALK is on the minus strand). VCF-style: chr2-29222525-C-T. GRCh37 (hg19) VCF-style: chr2-29445391-C-T.
Other names: c.238G>A, p.Ala80Thr (NM_001353765.2); short protein forms A1148T, A80T.
Identifiers: ClinVar variation 823777 (VCV000823777.5), dbSNP rs1573123548, ClinGen allele CA346463594.
Genomic context (GRCh38, chr2:29,222,525, plus strand): 5'-GCCTACAGAGTCCGCAAGCCAAGGGCAGGCTCAAGAGTGAGCCACTTCTTACCTTCACAG[C>T]CACTTGCAGGGGGCTTGGGTCGTTGGGCATTCCGGACACCTGGCCTTCATACACCTCCCC-3'
Protein context (NP_004295.2, residues 1138-1158): MPNDPSPLQV[Ala1148Thr]VKTLPEVCSE

ClinVar aggregate classification (germline): Uncertain significance (1 of 4 stars; one submission).

Conditions:
Hereditary cancer-predisposing syndrome. Also called: Neoplastic Syndromes, Hereditary; Tumor predisposition; Hereditary neoplastic syndrome; Hereditary Cancer Syndrome. Identifiers: Orphanet 140162, MedGen C0027672, MeSH D009386, MONDO:0015356.

Allele frequency attached by ClinVar (database versions not stated): gnomAD exomes below 0.00001.
gnomAD v4.1: 1 of 1,614,138 alleles (0.000062%); highest among the groups gnomAD compares: Non-Finnish European, 0.000085%; no homozygotes.

Submission:

Ambry Genetics
Classification: Uncertain significance for Hereditary cancer-predisposing syndrome. Last evaluated: 2025-05-27. Review status: criteria provided, single submitter. Criteria: Ambry Variant Classification Scheme 2023. Collection method: clinical testing. Allele origin: germline.
Comment: The p.A1148T variant (also known as c.3442G>A), located in coding exon 21 of the ALK gene, results from a G to A substitution at nucleotide position 3442. The alanine at codon 1148 is replaced by threonine, an amino acid with similar properties. This amino acid position is highly conserved in available vertebrate species. In addition, this alteration is predicted to be deleterious by in silico analysis. Based on the available evidence, the clinical significance of this variant remains unclear.